The following is an entry in ClinVar:

ClinVar aggregate classification (germline): Likely pathogenic (1 of 4 stars; one submission).

Conditions:
Hypophosphatasia. Also called: Phosphoethanol-aminuria. Identifiers: Orphanet 436, MedGen C0020630, MeSH D007014, MONDO:0018570.

Submission:

Genomenon, Inc
Classification: Likely pathogenic for Hypophosphatasia. Last evaluated: 2025-08-29. Review status: criteria provided, single submitter. Criteria: Genomenon Sequence Variant Interpretation Standards. Collection method: curation. Allele origin: germline. Affected: yes.
Comment: ALPL c.875_881delinsT is an insertion-deletion variant that causes the deletion of multiple amino acids, from Proline at position 292 to Aspartic acid at position 294, and their replacement with a single Leucine. This variant has been observed in at least one proband affected with hypophosphatasia (PMID:33191482;23479201). It is absent or not present at a significant frequency in gnomAD. In conclusion, we classify ALPL p.Pro292_Asp294delinsLeu (c.875_881delinsT) as a likely pathogenic variant.

Literature cited by the submitters: PubMed 33191482; PubMed 23479201.

NM_000478.6(ALPL):c.875_881delinsT (p.Pro292_Asp294delinsLeu)

Gene: ALPL (alkaline phosphatase, biomineralization associated; plus strand). Cytogenetic location: 1p36.12.
Variant type: Indel.
Coding change: c.875_881delinsT on transcript NM_000478.6 (MANE Select); coding-DNA positions 875 to 881, CAGGGGA replaced by T.
Protein change: p.Pro292_Asp294delinsLeu.
Molecular consequence: inframe indel.
Genome position (GRCh38, 1-based): chr1:21,573,677-21,573,683, CAGGGGA replaced by T. VCF-style: chr1-21573677-CAGGGGA-T. GRCh37 (hg19) VCF-style: chr1-21900170-CAGGGGA-T.
Other names: c.710_716delinsT, p.Pro237_Asp239delinsLeu (NM_001127501.4); c.644_650delinsT, p.Pro215_Asp217delinsLeu (NM_001177520.3); c.875_881delinsT, p.Pro292_Asp294delinsLeu (NM_001369803.2, NM_001369804.2, NM_001369805.2).
Identifiers: ClinVar variation 4086842 (VCV004086842.1).